The following is an entry in ClinVar:

NM_001330288.2(SMARCC2):c.1459C>T (p.Arg487Cys)

Gene: SMARCC2 (SWI/SNF related BAF chromatin remodeling complex subunit C2; minus strand). Cytogenetic location: 12q13.2.
Variant type: single nucleotide variant.
Coding change: c.1459C>T on transcript NM_001330288.2 (MANE Select); coding-DNA position 1459, C replaced by T.
Protein change: p.Arg487Cys; replaces arginine 487 with cysteine.
Molecular consequence: missense variant.
Genome position (GRCh38, 1-based): chr12:56,174,688, G>A on the plus strand (C>T on the coding strand, the complement: SMARCC2 is on the minus strand). VCF-style: chr12-56174688-G-A. GRCh37 (hg19) VCF-style: chr12-56568472-G-A.
Other names: c.1459C>T, p.Arg487Cys (NM_001130420.3, NM_003075.5, NM_139067.4); short protein forms R487C.
Identifiers: ClinVar variation 3357601 (VCV003357601.1).
Genomic context (GRCh38, chr12:56,174,688, plus strand): 5'-TTCCCCTCAGCCACAAGACCCACCTCATGATGGCACAGACATCACCCGCTAGGTTTCGGC[G>A]GCAGGCGGTAGAGGTAAGATACTCTTGGGGGTTCAGTCGGTAAGTGTCAATCATAAAGTT-3'
Protein context (NP_001317217.1, residues 477-497): PQEYLTSTAC[Arg487Cys]RNLAGDVCAI

ClinVar aggregate classification (germline): Uncertain significance (0 of 4 stars; one submission).

Conditions:
SMARCC2-related disorder. Also called: SMARCC2-related condition.

gnomAD v4.1: 3 of 1,613,976 alleles (0.00019%); highest among the groups gnomAD compares: Non-Finnish European, 0.00025%; no homozygotes.

Submission:

PreventionGenetics, part of Exact Sciences
Classification: Uncertain significance for SMARCC2-related condition. Last evaluated: 2024-05-16. Review status: no assertion criteria provided. Collection method: clinical testing. Allele origin: germline.
Comment: The SMARCC2 c.1459C>T variant is predicted to result in the amino acid substitution p.Arg487Cys. To our knowledge, this variant has not been reported in the literature or in a large population database, indicating this variant is rare. At this time, the clinical significance of this variant is uncertain due to the absence of conclusive functional and genetic evidence.